The following is an entry in ClinVar:

NM_003106.4(SOX2):c.718A>G (p.Met240Val)

Genes: SOX2 (SRY-box transcription factor 2; plus strand), SOX2-OT (SOX2 overlapping transcript; plus strand). Cytogenetic location: 3q26.33.
Variant type: single nucleotide variant.
Coding change: c.718A>G on transcript NM_003106.4 (MANE Select); coding-DNA position 718, A replaced by G.
Protein change: p.Met240Val; replaces methionine 240 with valine.
Molecular consequence: missense variant.
Genome position (GRCh38, 1-based): chr3:181,713,078, A>G. VCF-style: chr3-181713078-A-G. GRCh37 (hg19) VCF-style: chr3-181430866-A-G.
Other names: short protein forms M240V.
Identifiers: ClinVar variation 3897205 (VCV003897205.1).

ClinVar aggregate classification (germline): Likely benign (1 of 4 stars; one submission).

Submission:

GeneDx
Classification: Likely benign. Last evaluated: 2024-11-04. Review status: criteria provided, single submitter. Criteria: GeneDx Variant Classification Process June 2021. Collection method: clinical testing. Allele origin: germline. Affected: yes.
Comment: See Variant Classification Assertion Criteria.